The following is an entry in ClinVar:

ClinVar aggregate classification (germline): Benign. Review status: criteria provided, multiple submitters, no conflicts (2 of 4 stars). 3 submissions from 3 submitters: Benign (3). Last evaluated 2018-06-16.

Allele frequency attached by ClinVar (database versions not stated): gnomAD 0.11305 and 0.12090; TOPMed 0.12152; 1000 Genomes Project 30x 0.20425; 1000 Genomes Project 0.21066.
gnomAD v4.1: 159,202 of 1,453,122 alleles (11%); highest among the groups gnomAD compares: East Asian, 39%; 11,639 homozygotes.

Submissions (3):

Blueprint Genetics
Classification: Benign. Last evaluated: 2018-06-16. Review status: criteria provided, single submitter. Criteria: ACMG Guidelines, 2015. Collection method: clinical testing. Allele origin: germline.

GeneDx
Classification: Benign. Last evaluated: 2018-06-16. Review status: criteria provided, single submitter. Criteria: GeneDx Variant Classification (06012015). Collection method: clinical testing. Allele origin: germline. Affected: yes.
Comment: This variant is considered likely benign or benign based on one or more of the following criteria: it is a conservative change, it occurs at a poorly conserved position in the protein, it is predicted to be benign by multiple in silico algorithms, and/or has population frequency not consistent with disease.

Breakthrough Genomics
Classification: Benign. Review status: criteria provided, single submitter. Criteria: ACMG Guidelines, 2015. Collection method: not provided. Allele origin: germline. Inheritance: Autosomal dominant inheritance. Affected: yes.

NM_001018005.2(TPM1):c.851+196A>G

Gene: TPM1 (tropomyosin 1; plus strand). Cytogenetic location: 15q22.2.
Variant type: single nucleotide variant.
Coding change: c.851+196A>G on transcript NM_001018005.2 (MANE Select); 196 bases into the intron after coding-DNA position 851, A replaced by G.
Molecular consequence: intron variant. On other transcripts: 3 prime UTR variant (2).
Genome position (GRCh38, 1-based): chr15:63,064,338, A>G. VCF-style: chr15-63064338-A-G. GRCh37 (hg19) VCF-style: chr15-63356537-A-G.
Other names: c.*192A>G (NM_001365781.2, NM_001365782.1); c.898+1693A>G (NM_001365778.1); c.772+1693A>G (NM_001018020.2, NM_001018007.2, NM_001018006.2 and 2 more transcripts); c.851+196A>G (NM_001301244.2); c.44+148A>G (NM_000366.6, NM_001365779.1); c.773-1558A>G (NM_001365777.1); c.664+1693A>G (NM_001330351.2, NM_001330344.2, NM_001018008.2 and 1 more transcripts); c.743+196A>G (NM_001330346.2); and 1 more.
Identifiers: ClinVar variation 674247 (VCV000674247.3), dbSNP rs28730803, ClinGen allele CA14146693.
Genomic context (GRCh38, chr15:63,064,338, plus strand): 5'-GTCATTGTTTTTTCACTTTCTGCTAATATAAAGGCCAATTAGATTAAGTCTGTCTATACA[A>G]ACCATTTTCTTTTCAGAATCCGTTTATTTTGTAAACGCTGAACTAGAGCAGTGAACTAGA-3'